The following is an entry in ClinVar:

ClinVar aggregate classification (germline): Conflicting classifications of pathogenicity. Review status: criteria provided, conflicting classifications (1 of 4 stars). 7 submissions from 7 submitters: Uncertain significance (5); Likely benign (2). Last evaluated 2026-08-25.

Conditions:
TTN-related disorder. Also called: TTN-related condition; TTN-related disease; TTN-related disorders.
Cardiovascular phenotype. Identifiers: MedGen CN230736.

Allele frequency attached by ClinVar (database versions not stated): TOPMed 0.00001; ExAC 0.00002; gnomAD 0.00003; gnomAD exomes 0.00003 and 0.00004; ESP Exome Variant Server 0.00008.
gnomAD v4.1: 63 of 1,614,082 alleles (0.0039%); highest among the groups gnomAD compares: Non-Finnish European, 0.0051%; no homozygotes.

Submissions (7):

PreventionGenetics, part of Exact Sciences
Classification: Uncertain significance for TTN-related condition. Last evaluated: 2026-08-25. Review status: criteria provided, single submitter. Criteria: ACMG Guidelines, 2015. Collection method: clinical testing. Allele origin: germline.
Comment: The TTN c.1288G>A variant is predicted to result in the amino acid substitution p.Val430Ile. To our knowledge, this variant has not been reported in the literature. This variant is reported in 0.0062% of alleles in individuals of European (Non-Finnish) descent in gnomAD. At this time, the clinical significance of this variant is uncertain due to the absence of conclusive functional and genetic evidence.

Women's Health and Genetics/Laboratory Corporation of America, LabCorp
Classification: Uncertain significance. Last evaluated: 2024-10-08. Review status: criteria provided, single submitter. Criteria: LabCorp Variant Classification Summary - May 2015. Collection method: clinical testing. Allele origin: germline.
Comment: Variant summary: TTN c.1288G>A (p.Val430Ile) results in a conservative amino acid change in the encoded protein sequence. Three of five in-silico tools predict a damaging effect of the variant on protein function. The variant allele was found at a frequency of 2.8e-05 in 251246 control chromosomes. The available data on variant occurrences in the general population are insufficient to allow any conclusion about variant significance. To our knowledge, no occurrence of c.1288G>A in individuals affected with Limb-Girdle Muscular Dystrophy, Type 2J and no experimental evidence demonstrating its impact on protein function have been reported. ClinVar contains an entry for this variant (Variation ID: 501034). Based on the evidence outlined above, the variant was classified as uncertain significance.

Blueprint Genetics
Classification: Likely benign. Last evaluated: 2024-07-12. Review status: criteria provided, single submitter. Criteria: ACMG Guidelines, 2015. Collection method: clinical testing. Allele origin: germline.

Revvity Omics, Revvity
Classification: Uncertain significance. Last evaluated: 2023-01-25. Review status: criteria provided, single submitter. Criteria: ACMG Guidelines, 2015. Collection method: clinical testing. Allele origin: germline.

Ambry Genetics
Classification: Uncertain significance for Cardiovascular phenotype. Last evaluated: 2018-12-13. Review status: criteria provided, single submitter. Criteria: Ambry Variant Classification Scheme 2023. Collection method: clinical testing. Allele origin: germline.
Comment: The p.V430I variant (also known as c.1288G>A), located in coding exon 7 of the TTN gene, results from a G to A substitution at nucleotide position 1288. The valine at codon 430 is replaced by isoleucine, an amino acid with highly similar properties. This amino acid position is highly conserved in available vertebrate species. In addition, this alteration is predicted to be tolerated by in silico analysis. Since supporting evidence is limited at this time, the clinical significance of this alteration remains unclear.

GeneDx
Classification: Likely benign. Last evaluated: 2018-01-08. Review status: criteria provided, single submitter. Criteria: GeneDx Variant Classification (06012015). Collection method: clinical testing. Allele origin: germline. Affected: yes.
Comment: This variant is considered likely benign or benign based on one or more of the following criteria: it is a conservative change, it occurs at a poorly conserved position in the protein, it is predicted to be benign by multiple in silico algorithms, and/or has population frequency not consistent with disease.

Eurofins Ntd Llc (ga)
Classification: Uncertain significance. Last evaluated: 2017-03-26. Review status: criteria provided, single submitter. Criteria: EGL Classification Definitions 2015. Collection method: clinical testing. Allele origin: germline. Observed: 1 variant allele, 1 heterozygote.

NM_001267550.2(TTN):c.1288G>A (p.Val430Ile)

Gene: TTN (titin; minus strand). Cytogenetic location: 2q31.2.
Variant type: single nucleotide variant.
Coding change: c.1288G>A on transcript NM_001267550.2 (MANE Select); coding-DNA position 1288, G replaced by A.
Protein change: p.Val430Ile; replaces valine 430 with isoleucine.
Molecular consequence: missense variant.
Genome position (GRCh38, 1-based): chr2:178,794,509, C>T on the plus strand (G>A on the coding strand, the complement: TTN is on the minus strand). VCF-style: chr2-178794509-C-T. GRCh37 (hg19) VCF-style: chr2-179659236-C-T.
Other names: c.1288G>A, p.Val430Ile (NM_003319.4, NM_133378.4, NM_133379.5 and 3 more transcripts); short protein forms V430I.
Identifiers: ClinVar variation 501034 (VCV000501034.13), dbSNP rs371639583, ClinGen allele CA2006097.